The following is an entry in ClinVar:

ClinVar aggregate classification (germline): Uncertain significance (1 of 4 stars; one submission).

Conditions:
Primary ciliary dyskinesia. Also called: Ciliary dyskinesia. Identifiers: Orphanet 244, MedGen C0008780, MONDO:0016575, HP:0012265.

Allele frequency attached by ClinVar (database versions not stated): gnomAD 0.00001; TOPMed 0.00002.
gnomAD v4.1: 18 of 1,520,784 alleles (0.0012%); highest among the groups gnomAD compares: Non-Finnish European, 0.0014%; no homozygotes.

Submission:

Labcorp Genetics (formerly Invitae), Labcorp
Classification: Uncertain significance for Primary ciliary dyskinesia. Last evaluated: 2021-08-30. Review status: criteria provided, single submitter. Criteria: Invitae Variant Classification Sherloc (09022015). Collection method: clinical testing. Allele origin: germline.
Comment: This sequence change replaces arginine with serine at codon 345 of the CCDC39 protein (p.Arg345Ser). The arginine residue is moderately conserved and there is a moderate physicochemical difference between arginine and serine. This variant is not present in population databases (ExAC no frequency). This missense change has been observed in individual(s) with Tetralogy of Fallot, combined with cleft lip and palate (PMID: 28230599). ClinVar contains an entry for this variant (Variation ID: 216832). Algorithms developed to predict the effect of missense changes on protein structure and function are either unavailable or do not agree on the potential impact of this missense change (SIFT: "Deleterious"; PolyPhen-2: "Benign"; Align-GVGD: "Class C0"). Algorithms developed to predict the effect of sequence changes on RNA splicing suggest that this variant may disrupt the consensus splice site. In summary, the available evidence is currently insufficient to determine the role of this variant in disease. Therefore, it has been classified as a Variant of Uncertain Significance.

Literature cited by the submitters: PubMed 28230599.

NM_181426.2(CCDC39):c.1035G>C (p.Arg345Ser)

Gene: CCDC39 (coiled-coil domain 39 molecular ruler complex subunit; minus strand). Cytogenetic location: 3q26.33.
Variant type: single nucleotide variant.
Coding change: c.1035G>C on transcript NM_181426.2 (MANE Select); coding-DNA position 1035, G replaced by C.
Protein change: p.Arg345Ser; replaces arginine 345 with serine.
Molecular consequence: missense variant.
Genome position (GRCh38, 1-based): chr3:180,651,533, C>G on the plus strand (G>C on the coding strand, the complement: CCDC39 is on the minus strand). VCF-style: chr3-180651533-C-G. GRCh37 (hg19) VCF-style: chr3-180369321-C-G.
Other names: short protein forms R345S.
Identifiers: ClinVar variation 216832 (VCV000216832.7), dbSNP rs770110944, ClinGen allele CA337870.
Genomic context (GRCh38, chr3:180,651,533, plus strand): 5'-CTCAGTTATCTCCTTTAATTTTGTTTGTATTATCTCATTATGATTTTTAGTTTTTTGTAA[C>G]CTGAAGAGGGTTTATCACAAAAAGATAGAAAACGTGCCTAAAAAGCATTTCATACAAACA-3'
Protein context (NP_852091.1, residues 335-355): IKKDIHEETA[Arg345Ser]LQKTKNHNEI